The following is an entry in ClinVar:

NM_018979.4(WNK1):c.6448+2T>C

Gene: WNK1 (WNK lysine deficient protein kinase 1; plus strand). Cytogenetic location: 12p13.33.
Variant type: single nucleotide variant.
Coding change: c.6448+2T>C on transcript NM_018979.4 (MANE Select); the canonical splice donor site of the intron after coding-DNA position 6448, T replaced by C.
Molecular consequence: splice donor variant.
Genome position (GRCh38, 1-based): chr12:897,683, T>C. VCF-style: chr12-897683-T-C. GRCh37 (hg19) VCF-style: chr12-1006849-T-C.
Other names: c.7204+2T>C (NM_213655.5); c.7228+2T>C (NM_001184985.2); c.5704+2T>C (NM_014823.3).
Identifiers: ClinVar variation 1525795 (VCV001525795.8), dbSNP rs2154096075, ClinGen allele CA383337451.

ClinVar aggregate classification (germline): Likely pathogenic (1 of 4 stars; one submission).

Conditions:
Neuropathy, hereditary sensory and autonomic, type 2A (HSAN2A). Also called: HSAN IIA; ACROOSTEOLYSIS, GIACCAI TYPE; ACROOSTEOLYSIS, NEUROGENIC; MORVAN DISEASE; NEUROPATHY, CONGENITAL SENSORY; NEUROPATHY, HEREDITARY SENSORY RADICULAR, AUTOSOMAL RECESSIVE. Identifiers: Orphanet 970, MedGen C2752089, MONDO:0024309, OMIM 201300.
Pseudohypoaldosteronism type 2C (PHA2C). Also called: Pseudohypoaldosteronism Type IIC. Identifiers: Orphanet 757, Orphanet 88940, MedGen C1840391, MONDO:0013778, OMIM 614492.

Submission:

Labcorp Genetics (formerly Invitae), Labcorp
Classification: Likely pathogenic for Neuropathy, hereditary sensory and autonomic, type 2A; Pseudohypoaldosteronism type 2C. Last evaluated: 2021-04-23. Review status: criteria provided, single submitter. Criteria: Invitae Variant Classification Sherloc (09022015). Collection method: clinical testing. Allele origin: germline.
Comment: This variant is not present in population databases (ExAC no frequency). This variant has not been reported in the literature in individuals with WNK1-related conditions. Algorithms developed to predict the effect of sequence changes on RNA splicing suggest that this variant may disrupt the consensus splice site, but this prediction has not been confirmed by published transcriptional studies. In summary, the currently available evidence indicates that the variant is pathogenic, but additional data are needed to prove that conclusively. Therefore, this variant has been classified as Likely Pathogenic. This sequence change affects a donor splice site in intron 25 of the WNK1 gene. It is expected to disrupt RNA splicing. Variants that disrupt the donor or acceptor splice site typically lead to a loss of protein function (PMID: 16199547), and loss-of-function variants in WNK1 are known to be pathogenic (PMID: 22910560).

Literature cited by the submitters: PubMed 16199547; PubMed 22910560.